The following is an entry in ClinVar:

ClinVar aggregate classification (germline): Likely pathogenic (1 of 4 stars; one submission).

Submission:

Labcorp Genetics (formerly Invitae), Labcorp
Classification: Likely pathogenic. Last evaluated: 2020-03-18. Review status: criteria provided, single submitter. Criteria: Invitae Variant Classification Sherloc (09022015). Collection method: clinical testing. Allele origin: germline.
Comment: This variant results in a copy number gain of the genomic region encompassing exons 12-18 of the MTTP gene. While the exact position of this variant cannot be determined from this data, sub-genic copy number gains are generally in tandem (PMID: 25640679) and may result in an absent or disrupted protein product. This variant has not been reported in the literature in individuals with MTTP-related conditions. Experimental studies and prediction algorithms are not available or were not evaluated, and the functional significance of this variant is currently unknown. Loss-of-function variants in MTTP are known to be pathogenic (PMID: 8533758, 9671739). In summary, the currently available evidence indicates that the variant is pathogenic, but additional data are needed to prove that conclusively. Therefore, this variant has been classified as Likely Pathogenic.

Literature cited by the submitters: PubMed 25640679; PubMed 8533758; PubMed 9671739.

NC_000004.11:g.(?_100527895)_(100542398_?)dup

Gene: MTTP (microsomal triglyceride transfer protein; plus strand). Cytogenetic location: 4q23.
Variant type: Duplication.
Identifiers: ClinVar variation 1067411 (VCV001067411.2).